The following is an entry in ClinVar:

ClinVar aggregate classification (germline): Pathogenic (1 of 4 stars; one submission).

Conditions:
X-linked lymphoproliferative disease due to SH2D1A deficiency (XLP1). Also called: PURTILO SYNDROME; SH2D1A-Related Lymphoproliferative Disease, X-Linked; EBV infection severe susceptibility to; Epstein Barr virus infection familial fatal; Duncan's syndrome; DUNCAN DISEASE. Identifiers: Orphanet 2442, Orphanet 538931, MedGen C5399825, MONDO:0024551, OMIM 308240.

Submission:

Labcorp Genetics (formerly Invitae), Labcorp
Classification: Pathogenic for X-linked lymphoproliferative disease due to SH2D1A deficiency. Last evaluated: 2025-02-24. Review status: criteria provided, single submitter. Criteria: Invitae Variant Classification Sherloc (09022015). Collection method: clinical testing. Allele origin: germline.
Comment: This sequence change creates a premature translational stop signal (p.Ser36Lysfs*32) in the SH2D1A gene. It is expected to result in an absent or disrupted protein product. Loss-of-function variants in SH2D1A are known to be pathogenic (PMID: 9771704, 11049992, 15711562). This variant is not present in population databases (gnomAD no frequency). This variant has not been reported in the literature in individuals affected with SH2D1A-related conditions. For these reasons, this variant has been classified as Pathogenic.

Literature cited by the submitters: PubMed 9771704; PubMed 11049992; PubMed 15711562.

NM_002351.5(SH2D1A):c.106dup (p.Ser36fs)

Gene: SH2D1A (SH2 domain containing 1A; plus strand). Cytogenetic location: Xq25.
Variant type: Duplication.
Coding change: c.106dup on transcript NM_002351.5 (MANE Select); coding-DNA position 106, one base duplicated (A; older notation c.106dupA).
Protein change: p.Ser36fs; shifts the reading frame from serine 36.
Molecular consequence: frameshift variant.
Genome position (GRCh38, 1-based): chrX:124,346,748, A duplicated. VCF-style (leftmost placement, unchanged base first): chrX-124346747-G-GA. GRCh37 (hg19) VCF-style: chrX-123480597-G-GA.
Other names: c.106dup, p.Ser36fs (NM_001114937.3); short protein forms S36fs.
Identifiers: ClinVar variation 4711968 (VCV004711968.1).